The following is an entry in ClinVar:

NM_005908.4(MANBA):c.1704+1G>T

Gene: MANBA (mannosidase beta; minus strand). Cytogenetic location: 4q24.
Variant type: single nucleotide variant.
Coding change: c.1704+1G>T on transcript NM_005908.4 (MANE Select); the canonical splice donor site of the intron after coding-DNA position 1704, G replaced by T.
Molecular consequence: splice donor variant.
Genome position (GRCh38, 1-based): chr4:102,657,681, C>A on the plus strand (G>T on the coding strand, the complement: MANBA is on the minus strand). VCF-style: chr4-102657681-C-A. GRCh37 (hg19) VCF-style: chr4-103578838-C-A.
Identifiers: ClinVar variation 2902479 (VCV002902479.6), dbSNP rs767174204, ClinGen allele CA3026833.
Genomic context (GRCh38, chr4:102,657,681, plus strand): 5'-GAATAAACACATGCCCACAGTCTATCATTCTGAAACATTAGAAAATCAAACGATGACTTA[C>A]CTTTTCTAATGTACTGAAGGACGGCCAGGACTGATATCCATATTCAGATGCAAATCGAGC-3'

ClinVar aggregate classification (germline): Likely pathogenic. Review status: criteria provided, multiple submitters, no conflicts (2 of 4 stars). 3 submissions from 3 submitters: Likely pathogenic (3). Last evaluated 2026-01-11.

Conditions:
Beta-D-mannosidosis (MANSB). Also called: Beta-Mannosidosis; MANNOSIDOSIS, BETA A, LYSOSOMAL; BETA-MANNOSIDASE DEFICIENCY; LYSOSOMAL BETA-MANNOSIDASE DEFICIENCY. Identifiers: Orphanet 118, MedGen C4048196, MONDO:0009562, OMIM 248510.

Allele frequency attached by ClinVar (database versions not stated): ExAC 0.00002; TOPMed 0.00002; gnomAD 0.00003; gnomAD exomes 0.00004.
gnomAD v4.1: 65 of 1,598,138 alleles (0.0041%); highest among the groups gnomAD compares: Non-Finnish European, 0.0054%; no homozygotes.

Submissions (3):

Labcorp Genetics (formerly Invitae), Labcorp
Classification: Likely pathogenic for Beta-D-mannosidosis. Last evaluated: 2026-01-11. Review status: criteria provided, single submitter. Criteria: Invitae Variant Classification Sherloc (09022015). Collection method: clinical testing. Allele origin: germline.
Comment: This sequence change affects a donor splice site in intron 12 of the MANBA gene. It is expected to disrupt RNA splicing. Variants that disrupt the donor or acceptor splice site typically lead to a loss of protein function (PMID: 16199547), and loss-of-function variants in MANBA are known to be pathogenic (PMID: 9384606, 12468273). The frequency data for this variant in the population databases is considered unreliable, as metrics indicate poor data quality at this position in the gnomAD database. This variant has not been reported in the literature in individuals affected with MANBA-related conditions. ClinVar contains an entry for this variant (Variation ID: 2902479). Algorithms developed to predict the effect of sequence changes on RNA splicing suggest that this variant may disrupt the consensus splice site. In summary, the currently available evidence indicates that the variant is pathogenic, but additional data are needed to prove that conclusively. Therefore, this variant has been classified as Likely Pathogenic.

Fulgent Genetics
Classification: Likely pathogenic for Beta-D-mannosidosis. Last evaluated: 2024-03-05. Review status: criteria provided, single submitter. Criteria: ACMG Guidelines, 2015. Collection method: clinical testing. Allele origin: germline.

Department of Pathology and Laboratory Medicine, Sinai Health System
Classification: Likely pathogenic for beta-mannosidosis. Last evaluated: 2022-05-19. Review status: criteria provided, single submitter. Criteria: ACMG Guidelines, 2015. Collection method: research. Allele origin: germline.

Literature cited by the submitters: PubMed 16199547 (cited by Labcorp Genetics (formerly Invitae), Labcorp); PubMed 9384606 (cited by Labcorp Genetics (formerly Invitae), Labcorp); PubMed 12468273 (cited by Labcorp Genetics (formerly Invitae), Labcorp).